The following is an entry in ClinVar:

ClinVar aggregate classification (germline): Uncertain significance (1 of 4 stars; one submission).

Submission:

Labcorp Genetics (formerly Invitae), Labcorp
Classification: Uncertain significance. Last evaluated: 2025-05-12. Review status: criteria provided, single submitter. Criteria: Invitae Variant Classification Sherloc (09022015). Collection method: clinical testing. Allele origin: germline.
Comment: This sequence change replaces leucine, which is neutral and non-polar, with phenylalanine, which is neutral and non-polar, at codon 520 of the ANLN protein (p.Leu520Phe). This variant is not present in population databases (gnomAD no frequency). This variant has not been reported in the literature in individuals affected with ANLN-related conditions. Invitae Evidence Modeling of protein sequence and biophysical properties (such as structural, functional, and spatial information, amino acid conservation, physicochemical variation, residue mobility, and thermodynamic stability) indicates that this missense variant is not expected to disrupt ANLN protein function with a negative predictive value of 80%. In summary, the available evidence is currently insufficient to determine the role of this variant in disease. Therefore, it has been classified as a Variant of Uncertain Significance.

NM_018685.5(ANLN):c.1560G>C (p.Leu520Phe)

Gene: ANLN (anillin, actin binding protein; plus strand). Cytogenetic location: 7p14.2.
Variant type: single nucleotide variant.
Coding change: c.1560G>C on transcript NM_018685.5 (MANE Select); coding-DNA position 1560, G replaced by C.
Protein change: p.Leu520Phe; replaces leucine 520 with phenylalanine.
Molecular consequence: missense variant. On other transcripts: intron variant (2).
Genome position (GRCh38, 1-based): chr7:36,417,117, G>C. VCF-style: chr7-36417117-G-C. GRCh37 (hg19) VCF-style: chr7-36456726-G-C.
Other names: c.1522+1233G>C (NM_001284301.3, NM_001284302.3); short protein forms L520F.
Identifiers: ClinVar variation 4693317 (VCV004693317.1).